The following is an entry in ClinVar:

NM_000784.4(CYP27A1):c.1181T>C (p.Leu394Pro)

Gene: CYP27A1 (cytochrome P450 family 27 subfamily A member 1; plus strand). Cytogenetic location: 2q35.
Variant type: single nucleotide variant.
Coding change: c.1181T>C on transcript NM_000784.4 (MANE Select); coding-DNA position 1181, T replaced by C.
Protein change: p.Leu394Pro; replaces leucine 394 with proline.
Molecular consequence: missense variant.
Genome position (GRCh38, 1-based): chr2:218,814,184, T>C. VCF-style: chr2-218814184-T-C. GRCh37 (hg19) VCF-style: chr2-219678907-T-C.
Other names: short protein forms L394P.
Identifiers: ClinVar variation 801899 (VCV000801899.8), dbSNP rs1406298698, ClinGen allele CA350592767.

ClinVar aggregate classification (germline): Conflicting classifications of pathogenicity. Review status: criteria provided, conflicting classifications (1 of 4 stars). 3 submissions from 3 submitters: Likely pathogenic (1); Uncertain significance (2). Last evaluated 2024-04-29.

Conditions:
Cholestanol storage disease (CTX). Also called: CEREBRAL CHOLESTERINOSIS; Cerebrotendinous Xanthomatosis; CTX: Cerebrotendinous xanthomatosis. Identifiers: Orphanet 909, MedGen C0238052, MONDO:0008948, OMIM 213700.

Allele frequency attached by ClinVar (database versions not stated): gnomAD exomes below 0.00001; gnomAD 0.00001; TOPMed 0.00001.
gnomAD v4.1: 7 of 1,614,144 alleles (0.00043%); highest among the groups gnomAD compares: Admixed American, 0.0033%; no homozygotes.

Submissions (3):

Women's Health and Genetics/Laboratory Corporation of America, LabCorp
Classification: Uncertain significance. Last evaluated: 2024-04-29. Review status: criteria provided, single submitter. Criteria: LabCorp Variant Classification Summary - May 2015. Collection method: clinical testing. Allele origin: germline.
Comment: Variant summary: CYP27A1 c.1181T>C (p.Leu394Pro) results in a non-conservative amino acid change in the encoded protein sequence. Five of five in-silico tools predict a damaging effect of the variant on protein function. The variant allele was found at a frequency of 4e-06 in 251306 control chromosomes. The available data on variant occurrences in the general population are insufficient to allow any conclusion about variant significance. To our knowledge, no occurrence of c.1181T>C in individuals affected with Cerebrotendinous Xanthomatosis and no experimental evidence demonstrating its impact on protein function have been reported. ClinVar contains an entry for this variant (Variation ID: 801899). Based on the evidence outlined above, the variant was classified as uncertain significance.

Labcorp Genetics (formerly Invitae), Labcorp
Classification: Uncertain significance for Cholestanol storage disease. Last evaluated: 2023-12-11. Review status: criteria provided, single submitter. Criteria: Invitae Variant Classification Sherloc (09022015). Collection method: clinical testing. Allele origin: germline.
Comment: This sequence change replaces leucine, which is neutral and non-polar, with proline, which is neutral and non-polar, at codon 394 of the CYP27A1 protein (p.Leu394Pro). This variant is present in population databases (no rsID available, gnomAD 0.003%). This variant has not been reported in the literature in individuals affected with CYP27A1-related conditions. ClinVar contains an entry for this variant (Variation ID: 801899). Advanced modeling of protein sequence and biophysical properties (such as structural, functional, and spatial information, amino acid conservation, physicochemical variation, residue mobility, and thermodynamic stability) performed at Invitae indicates that this missense variant is expected to disrupt CYP27A1 protein function with a positive predictive value of 95%. In summary, the available evidence is currently insufficient to determine the role of this variant in disease. Therefore, it has been classified as a Variant of Uncertain Significance.

Mendelics
Classification: Likely pathogenic for Cholestanol storage disease. Last evaluated: 2019-05-28. Review status: criteria provided, single submitter. Criteria: Mendelics Assertion Criteria 2017. Collection method: clinical testing. Allele origin: unknown.